The following is an entry in ClinVar:

NM_014915.3(ANKRD26):c.3256G>C (p.Ala1086Pro)

Gene: ANKRD26 (ankyrin repeat domain 26; minus strand). Cytogenetic location: 10p12.1.
Variant type: single nucleotide variant.
Coding change: c.3256G>C on transcript NM_014915.3 (MANE Select); coding-DNA position 3256, G replaced by C.
Protein change: p.Ala1086Pro; replaces alanine 1086 with proline.
Molecular consequence: missense variant.
Genome position (GRCh38, 1-based): chr10:27,035,194, C>G on the plus strand (G>C on the coding strand, the complement: ANKRD26 is on the minus strand). VCF-style: chr10-27035194-C-G. GRCh37 (hg19) VCF-style: chr10-27324123-C-G.
Other names: c.3253G>C, p.Ala1085Pro (NM_001256053.2); short protein forms A1085P, A1086P.
Identifiers: ClinVar variation 4859168 (VCV004859168.1).

ClinVar aggregate classification (germline): Uncertain significance (1 of 4 stars; one submission).

Conditions:
Inborn genetic diseases. Identifiers: MedGen C0950123, MeSH D030342.

Submission:

Ambry Genetics
Classification: Uncertain significance for Inborn genetic diseases. Last evaluated: 2026-03-30. Review status: criteria provided, single submitter. Criteria: Ambry Variant Classification Scheme 2023. Collection method: clinical testing. Allele origin: germline.
Comment: The p.A1086P variant (also known as c.3256G>C), located in coding exon 24 of the ANKRD26 gene, results from a G to C substitution at nucleotide position 3256. The alanine at codon 1086 is replaced by proline, an amino acid with highly similar properties. This amino acid position is conserved. In addition, this alteration is predicted to be tolerated by in silico analysis. Based on the available evidence, the clinical significance of this variant remains unclear.